The following is an entry in ClinVar:

ClinVar aggregate classification (germline): Uncertain significance (1 of 4 stars; one submission).

Conditions:
Familial cancer of breast. Also called: Hereditary breast cancer; hereditary breast carcinoma; BREAST CANCER, FAMILIAL. Identifiers: Orphanet 227535, MedGen C0346153, MONDO:0016419, OMIM 114480. Disease mechanism: loss of function.

Submission:

Labcorp Genetics (formerly Invitae), Labcorp
Classification: Uncertain significance for Familial cancer of breast. Last evaluated: 2025-12-17. Review status: criteria provided, single submitter. Criteria: Invitae Variant Classification Sherloc (09022015). Collection method: clinical testing. Allele origin: germline.
Comment: This sequence change replaces lysine, which is basic and polar, with glutamine, which is neutral and polar, at codon 708 of the BARD1 protein (p.Lys708Gln). This variant is not present in population databases (gnomAD no frequency). This variant has not been reported in the literature in individuals affected with BARD1-related conditions. An algorithm developed to predict the effect of missense changes on protein structure and function (PolyPhen-2) suggests that this variant is likely to be disruptive. In summary, the available evidence is currently insufficient to determine the role of this variant in disease. Therefore, it has been classified as a Variant of Uncertain Significance.

NM_000465.4(BARD1):c.2122A>C (p.Lys708Gln)

Gene: BARD1 (BRCA1 associated RING domain 1; minus strand). Cytogenetic location: 2q35.
Variant type: single nucleotide variant.
Coding change: c.2122A>C on transcript NM_000465.4 (MANE Select); coding-DNA position 2122, A replaced by C.
Protein change: p.Lys708Gln; replaces lysine 708 with glutamine.
Molecular consequence: missense variant. On other transcripts: non-coding transcript variant (3).
Genome position (GRCh38, 1-based): chr2:214,728,888, T>G on the plus strand (A>C on the coding strand, the complement: BARD1 is on the minus strand). VCF-style: chr2-214728888-T-G. GRCh37 (hg19) VCF-style: chr2-215593612-T-G.
Other names: c.2065A>C, p.Lys689Gln (NM_001282543.2); c.769A>C, p.Lys257Gln (NM_001282545.2); c.712A>C, p.Lys238Gln (NM_001282548.2); c.583A>C, p.Lys195Gln (NM_001282549.2); short protein forms K195Q, K238Q, K257Q, K689Q, K708Q.
Identifiers: ClinVar variation 4754852 (VCV004754852.1).